The following is an entry in ClinVar:

ClinVar aggregate classification (germline): Uncertain significance (1 of 4 stars; one submission).

Allele frequency attached by ClinVar (database versions not stated): gnomAD exomes below 0.00001; TOPMed 0.00001.
gnomAD v4.1: 1 of 1,613,590 alleles (0.000062%); highest among the groups gnomAD compares: African/African-American, 0.0013%; no homozygotes.

Submission:

Ambry Genetics
Classification: Uncertain significance. Last evaluated: 2024-06-14. Review status: criteria provided, single submitter. Criteria: Ambry Variant Classification Scheme 2023. Collection method: clinical testing. Allele origin: germline.
Comment: The p.I503T variant (also known as c.1508T>C), located in coding exon 8 of the PALLD gene, results from a T to C substitution at nucleotide position 1508. The isoleucine at codon 503 is replaced by threonine, an amino acid with similar properties. This amino acid position is conserved. In addition, the in silico prediction for this alteration is inconclusive. Since supporting evidence is limited at this time, the clinical significance of this alteration remains unclear.

NM_001166108.2(PALLD):c.1508T>C (p.Ile503Thr)

Gene: PALLD (palladin, cytoskeletal associated protein; plus strand). Cytogenetic location: 4q32.3.
Variant type: single nucleotide variant.
Coding change: c.1508T>C on transcript NM_001166108.2 (MANE Select); coding-DNA position 1508, T replaced by C.
Protein change: p.Ile503Thr; replaces isoleucine 503 with threonine.
Molecular consequence: missense variant.
Genome position (GRCh38, 1-based): chr4:168,709,034, T>C. VCF-style: chr4-168709034-T-C. GRCh37 (hg19) VCF-style: chr4-169630185-T-C.
Other names: c.362T>C, p.Ile121Thr (NM_001166109.2); c.1508T>C, p.Ile503Thr (NM_016081.4); short protein forms I121T, I503T.
Identifiers: ClinVar variation 1774125 (VCV001774125.3), dbSNP rs1784475021, ClinGen allele CA358797374.
Genomic context (GRCh38, chr4:168,709,034, plus strand): 5'-AAAGTGACTTCATGGTTCAACTCTGATGAATGATTCTGTTCTCTTCACTTCCAGAGGAGA[T>C]TTGCACCCTAGTTATCGCTGAGACTTTCCCTGAAGATGCAGGGATCTTTACATGTTCAGC-3'
Protein context (NP_001159580.1, residues 493-513): KPRSTAEPEE[Ile503Thr]CTLVIAETFP